The following is an entry in ClinVar:

NM_000238.4(KCNH2):c.1128+1739C>T

Gene: KCNH2 (potassium voltage-gated channel subfamily H member 2; minus strand). Cytogenetic location: 7q36.1.
Variant type: single nucleotide variant.
Coding change: c.1128+1739C>T on transcript NM_000238.4 (MANE Select); 1739 bases into the intron after coding-DNA position 1128, C replaced by T.
Molecular consequence: intron variant. On other transcripts: 5 prime UTR variant (2), non-coding transcript variant (1).
Genome position (GRCh38, 1-based): chr7:150,955,552, G>A on the plus strand (C>T on the coding strand, the complement: KCNH2 is on the minus strand). VCF-style: chr7-150955552-G-A. GRCh37 (hg19) VCF-style: chr7-150652640-G-A.
Other names: c.-49C>T (NM_001204798.2, NM_172057.3); c.840+1739C>T (NM_001406753.1, NM_001406756.1); c.1128+1739C>T (NM_172056.3); c.951+1739C>T (NM_001406755.1); c.828+1739C>T (NM_001406757.1).
Identifiers: ClinVar variation 509348 (VCV000509348.3), dbSNP rs978720357, ClinGen allele CA169079915.

ClinVar aggregate classification (germline): Likely benign (1 of 4 stars; one submission).

Allele frequency attached by ClinVar (database versions not stated): gnomAD exomes 0.00002; TOPMed 0.00002.
gnomAD v4.1: 30 of 1,512,116 alleles (0.002%); highest among the groups gnomAD compares: South Asian, 0.0051%; no homozygotes.

Submission:

GeneDx
Classification: Likely benign. Last evaluated: 2017-05-02. Review status: criteria provided, single submitter. Criteria: GeneDx Variant Classification (06012015). Collection method: clinical testing. Allele origin: germline. Affected: yes.
Comment: This variant is considered likely benign or benign based on one or more of the following criteria: it is a conservative change, it occurs at a poorly conserved position in the protein, it is predicted to be benign by multiple in silico algorithms, and/or has population frequency not consistent with disease.